The following is an entry in ClinVar:

ClinVar aggregate classification (germline): Uncertain significance. Review status: criteria provided, multiple submitters, no conflicts (2 of 4 stars). 2 submissions from 2 submitters: Uncertain significance (2). Last evaluated 2025-01-20.

Conditions:
Autosomal recessive limb-girdle muscular dystrophy type 2L (LGMDR12). Also called: Limb-girdle muscular dystrophy, type 2L; MUSCULAR DYSTROPHY, LIMB-GIRDLE, AUTOSOMAL RECESSIVE 12; Limb-Girdle Muscular Dystrophy R12 Anoctamin-5-Related (LGMD-R12). Identifiers: Orphanet 206549, MedGen C1969785, MONDO:0012652, OMIM 611307.
Gnathodiaphyseal dysplasia (GDD). Also called: GNATHODIAPHYSEAL SCLEROSIS; OSTEOGENESIS IMPERFECTA WITH UNUSUAL SKELETAL LESIONS. Identifiers: Orphanet 53697, MedGen C1833736, MONDO:0008151, OMIM 166260.

gnomAD v4.1: 4 of 1,614,012 alleles (0.00025%); highest among the groups gnomAD compares: Admixed American, 0.0067%; no homozygotes.

Submissions (2):

Labcorp Genetics (formerly Invitae), Labcorp
Classification: Uncertain significance for Autosomal recessive limb-girdle muscular dystrophy type 2L; Gnathodiaphyseal dysplasia. Last evaluated: 2025-01-20. Review status: criteria provided, single submitter. Criteria: Invitae Variant Classification Sherloc (09022015). Collection method: clinical testing. Allele origin: germline.
Comment: This sequence change replaces isoleucine, which is neutral and non-polar, with valine, which is neutral and non-polar, at codon 346 of the ANO5 protein (p.Ile346Val). This variant is present in population databases (rs146233625, gnomAD 0.01%). This variant has not been reported in the literature in individuals affected with ANO5-related conditions. ClinVar contains an entry for this variant (Variation ID: 1345276). Invitae Evidence Modeling of protein sequence and biophysical properties (such as structural, functional, and spatial information, amino acid conservation, physicochemical variation, residue mobility, and thermodynamic stability) has been performed for this missense variant. However, the output from this modeling did not meet the statistical confidence thresholds required to predict the impact of this variant on ANO5 protein function. In summary, the available evidence is currently insufficient to determine the role of this variant in disease. Therefore, it has been classified as a Variant of Uncertain Significance.

Revvity Omics, Revvity
Classification: Uncertain significance. Last evaluated: 2021-05-11. Review status: criteria provided, single submitter. Criteria: ACMG Guidelines, 2015. Collection method: clinical testing. Allele origin: germline.

NM_213599.3(ANO5):c.1036A>G (p.Ile346Val)

Gene: ANO5 (anoctamin 5; plus strand). Cytogenetic location: 11p14.3.
Variant type: single nucleotide variant.
Coding change: c.1036A>G on transcript NM_213599.3 (MANE Select); coding-DNA position 1036, A replaced by G.
Protein change: p.Ile346Val; replaces isoleucine 346 with valine.
Molecular consequence: missense variant.
Genome position (GRCh38, 1-based): chr11:22,250,763, A>G. VCF-style: chr11-22250763-A-G. GRCh37 (hg19) VCF-style: chr11-22272309-A-G.
Other names: c.1036A>G (NM_213599.2); c.1033A>G, p.Ile345Val (NM_001142649.2); short protein forms I346V, I345V.
Identifiers: ClinVar variation 1345276 (VCV001345276.8), dbSNP rs146233625, ClinGen allele CA5923117.